The following is an entry in ClinVar:

NM_000552.5(VWF):c.3735G>A (p.Val1245=)

Gene: VWF (von Willebrand factor; minus strand). Cytogenetic location: 12p13.31.
Variant type: single nucleotide variant.
Coding change: c.3735G>A on transcript NM_000552.5 (MANE Select); coding-DNA position 3735, G replaced by A.
Protein change: p.Val1245=; no amino-acid change (valine 1245 retained).
Molecular consequence: synonymous variant.
Genome position (GRCh38, 1-based): chr12:6,019,683, C>T on the plus strand (G>A on the coding strand, the complement: VWF is on the minus strand). VCF-style: chr12-6019683-C-T. GRCh37 (hg19) VCF-style: chr12-6128849-C-T.
Identifiers: ClinVar variation 2682107 (VCV002682107.25), dbSNP rs148499318, ClinGen allele CA6402687.

ClinVar aggregate classification (germline): Likely benign. Review status: criteria provided, multiple submitters, no conflicts (2 of 4 stars). 4 submissions from 4 submitters: Likely benign (4). Last evaluated 2026-02-25.

Allele frequency attached by ClinVar (database versions not stated): 1000 Genomes Project 30x 0.00062; ExAC 0.00078; ESP Exome Variant Server 0.00101; gnomAD 0.00105; TOPMed 0.00113.
gnomAD v4.1: 2,176 of 1,613,396 alleles (0.13%); highest among the groups gnomAD compares: Non-Finnish European, 0.16%; no homozygotes.

Submissions (4):

Women's Health and Genetics/Laboratory Corporation of America, LabCorp
Classification: Likely benign. Last evaluated: 2026-02-25. Review status: criteria provided, single submitter. Criteria: LabCorp Variant Classification Summary - May 2015. Collection method: clinical testing. Allele origin: germline.

Quest Diagnostics Nichols Institute San Juan Capistrano
Classification: Likely benign. Last evaluated: 2025-02-20. Review status: criteria provided, single submitter. Criteria: Quest Diagnostics criteria. Collection method: clinical testing. Allele origin: unknown.

Blueprint Genetics
Classification: Likely benign. Last evaluated: 2024-11-14. Review status: criteria provided, single submitter. Criteria: ACMG Guidelines, 2015. Collection method: clinical testing. Allele origin: germline.

CeGaT Center for Human Genetics Tuebingen
Classification: Likely benign. Last evaluated: 2024-04-01. Review status: criteria provided, single submitter. Criteria: CeGaT Center For Human Genetics Tuebingen Variant Classification Criteria Version 2. Collection method: clinical testing. Allele origin: germline. Affected: yes. Observed: 2 variant alleles.
Comment: VWF: BP4, BP7

Literature cited by the submitters: PubMed 16115133 (cited by Quest Diagnostics Nichols Institute San Juan Capistrano); PubMed 18315546 (cited by Quest Diagnostics Nichols Institute San Juan Capistrano); PubMed 18805962 (cited by Quest Diagnostics Nichols Institute San Juan Capistrano); PubMed 17846636 (cited by Quest Diagnostics Nichols Institute San Juan Capistrano); PubMed 37168293 (cited by Quest Diagnostics Nichols Institute San Juan Capistrano).